The following is an entry in ClinVar:

ClinVar aggregate classification (germline): Uncertain significance (1 of 4 stars; one submission).

Submission:

Labcorp Genetics (formerly Invitae), Labcorp
Classification: Uncertain significance. Last evaluated: 2020-12-20. Review status: criteria provided, single submitter. Criteria: Invitae Variant Classification Sherloc (09022015). Collection method: clinical testing. Allele origin: germline.
Comment: In summary, the available evidence is currently insufficient to determine the role of this variant in disease. Therefore, it has been classified as a Variant of Uncertain Significance. Advanced modeling of protein sequence and biophysical properties (such as structural, functional, and spatial information, amino acid conservation, physicochemical variation, residue mobility, and thermodynamic stability) performed at Invitae indicates that this missense variant is not expected to disrupt FAT4 protein function. This variant has not been reported in the literature in individuals with FAT4-related conditions. This variant is not present in population databases (ExAC no frequency). This sequence change replaces isoleucine with leucine at codon 3619 of the FAT4 protein (p.Ile3619Leu). The isoleucine residue is highly conserved and there is a small physicochemical difference between isoleucine and leucine.

NM_001291303.3(FAT4):c.10861A>C (p.Ile3621Leu)

Gene: FAT4 (FAT atypical cadherin 4; plus strand). Cytogenetic location: 4q28.1.
Variant type: single nucleotide variant.
Coding change: c.10861A>C on transcript NM_001291303.3 (MANE Select); coding-DNA position 10861, A replaced by C.
Protein change: p.Ile3621Leu; replaces isoleucine 3621 with leucine.
Molecular consequence: missense variant.
Genome position (GRCh38, 1-based): chr4:125,451,871, A>C. VCF-style: chr4-125451871-A-C. GRCh37 (hg19) VCF-style: chr4-126373026-A-C.
Other names: c.10861A>C, p.Ile3621Leu (NM_001291285.3); c.10855A>C, p.Ile3619Leu (NM_024582.6); short protein forms I3619L, I3621L.
Identifiers: ClinVar variation 1495271 (VCV001495271.8), dbSNP rs769926658, ClinGen allele CA358159903.